The following is an entry in ClinVar:

ClinVar aggregate classification (germline): Conflicting classifications of pathogenicity. Review status: criteria provided, conflicting classifications (1 of 4 stars). 9 submissions from 9 submitters: Likely pathogenic (5); Uncertain significance (4). Last evaluated 2026-03-03.

Conditions:
Wilson disease (WND). Also called: Wilson's disease. Identifiers: Orphanet 905, MedGen C0019202, MONDO:0010200, OMIM 277900. Disease mechanism: loss of function.

Allele frequency attached by ClinVar (database versions not stated): ExAC 0.00003; gnomAD 0.00004; gnomAD exomes 0.00004; TOPMed 0.00006.
gnomAD v4.1: 58 of 1,613,642 alleles (0.0036%); highest among the groups gnomAD compares: Admixed American, 0.01%; no homozygotes.

Submissions (9):

Women's Health and Genetics/Laboratory Corporation of America, LabCorp
Classification: Likely pathogenic for Wilson disease. Last evaluated: 2026-03-03. Review status: criteria provided, single submitter. Criteria: LabCorp Variant Classification Summary - May 2015. Collection method: clinical testing. Allele origin: germline.
Comment: Variant summary: ATP7B c.503T>C (p.Leu168Pro) results in a non-conservative amino acid change located in the Heavy metal-associated domain, HMA domain (IPR006121) of the encoded protein sequence. Algorithms developed to predict the effect of missense changes on protein structure and function all suggest that this variant is likely to be disruptive. The variant allele was found at a frequency of 4.4e-05 in 249416 control chromosomes (gnomAD). This frequency is not significantly higher than estimated for disease-causing variants in ATP7B, allowing no conclusion about variant significance. c.503T>C has been reported in the literature in multiple individuals affected with Wilson Disease, as a compound heterozygous genotype or without reported second variant (e.g. Couchonnal_2021, Czlonkowska_2018, Guttmann_2018, Kluska_2019). These data indicate that the variant is likely to be associated with disease. Publications report experimental evidence evaluating an impact on protein function in vitro, showing altered protein localization and copper trafficking, reduced cellular copper concentration, and reduced activity (e.g. Das_2022, Guttmann_2018, Calvo_2025). The following publications have been ascertained in the context of this evaluation (PMID: 40661833, 34400371, 29418065, 35762218, 29761093, 30230192). ClinVar contains an entry for this variant (Variation ID: 967323). Based on the evidence outlined above, the variant was classified as likely pathogenic.

Labcorp Genetics (formerly Invitae), Labcorp
Classification: Likely pathogenic for Wilson disease. Last evaluated: 2026-01-19. Review status: criteria provided, single submitter. Criteria: Invitae Variant Classification Sherloc (09022015). Collection method: clinical testing. Allele origin: germline.
Comment: This sequence change replaces leucine, which is neutral and non-polar, with proline, which is neutral and non-polar, at codon 168 of the ATP7B protein (p.Leu168Pro). This variant is present in population databases (rs756237962, gnomAD 0.01%). This missense change has been observed in individuals with Wilson disease (PMID: 19381668, 29761093, 34400371). ClinVar contains an entry for this variant (Variation ID: 967323). Invitae Evidence Modeling of protein sequence and biophysical properties (such as structural, functional, and spatial information, amino acid conservation, physicochemical variation, residue mobility, and thermodynamic stability) indicates that this missense variant is expected to disrupt ATP7B protein function with a positive predictive value of 95%. Experimental studies have shown that this missense change affects ATP7B function (PMID: 29761093). In summary, the currently available evidence indicates that the variant is pathogenic, but additional data are needed to prove that conclusively. Therefore, this variant has been classified as Likely Pathogenic.

Natera, Inc.
Classification: Likely pathogenic for Wilson disease. Last evaluated: 2025-10-31. Review status: criteria provided, single submitter. Criteria: Natera Variant Classification Schema (03/2026). Collection method: clinical testing. Allele origin: germline.
Comment: The c.503T>C variant in ATP7B is a missense variant predicted to cause substitution of leucine to proline at amino acid 168. This variant is rare in the general population with a frequency below the threshold expected for the associated phenotype(s). This variant has been observed in one or more individuals affected with the associated recessive disease, as either homozygous or compound heterozygous with a second variant (PMID: 29418065, 29761093, 19381668). Functional studies show that this variant may disrupt protein function (PMID: 35762218). Computational prediction algorithms indicate this variant is likely to affect gene or protein function. Given the available evidence, this variant is classified as Likely Pathogenic.

Color Diagnostics, LLC DBA Color Health
Classification: Likely pathogenic for Wilson disease. Last evaluated: 2025-10-16. Review status: criteria provided, single submitter. Criteria: ACMG Guidelines, 2015. Collection method: clinical testing. Allele origin: germline.
Comment: This missense variant replaces leucine with proline at codon 168 of the ATP7B protein. Computational prediction suggests that this variant may have deleterious impact on protein structure and function. Functional studies have shown that this variant reduces protein expression and copper transport (PMID: 29761093, 35762218, 40661833). This variant has been reported in individuals affected with Wilson disease (PMID: 19381668, 29418065, 30230192, 34400371, 37660282, 40620501), including several cases that were compound heterozygous with a known pathogenic variant. This variant has been identified in 12/280804 chromosomes in the general population by the Genome Aggregation Database (gnomAD). Based on the available evidence, this variant is classified as Likely Pathogenic.

All of Us Research Program, National Institutes of Health
Classification: Uncertain significance for Wilson disease. Last evaluated: 2024-05-09. Review status: criteria provided, single submitter. Criteria: ACMG Guidelines, 2015. Collection method: clinical testing. Allele origin: germline. Inheritance: Autosomal recessive inheritance. Observed: 19 variant alleles, 19 heterozygotes.
Comment: This missense variant replaces leucine with proline at codon 168 of the ATP7B protein. Computational prediction suggests that this variant may have deleterious impact on protein structure and function (internally defined REVEL score threshold >= 0.7, PMID: 27666373). Functional studies have shown that this variant reduces protein expression and copper transport (PMID: 29761093). This variant has been reported in individuals affected with Wilson disease (PMID: 19381668, 29761093). This variant has been identified in 12/280804 chromosomes in the general population by the Genome Aggregation Database (gnomAD). The available evidence is insufficient to determine the role of this variant in disease conclusively. Therefore, this variant is classified as a Variant of Uncertain Significance.

This study involves interpretation of variants in research participants for the purpose of population health screening. Participant phenotype was not available at the time of variant classification. Additional details can be found in publication PMID: 35346344, PMCID: PMC8962531

GeneDx
Classification: Likely pathogenic. Last evaluated: 2022-12-28. Review status: criteria provided, single submitter. Criteria: GeneDx Variant Classification Process June 2021. Collection method: clinical testing. Allele origin: germline. Affected: yes.
Comment: Published functional studies suggest a damaging effect as copper transport activity is reduced and cellular localization is altered as compared to wild type (Das et al., 2022); Not observed at significant frequency in large population cohorts (gnomAD); In silico analysis supports that this missense variant has a deleterious effect on protein structure/function; This variant is associated with the following publications: (PMID: 30230192, 29761093, 34400371, 35762218, 19381668)

Myriad Genetics, Inc.
Classification: Uncertain significance for Wilson disease. Last evaluated: 2021-10-27. Review status: criteria provided, single submitter. Criteria: Myriad Women's Health Autosomal Recessive and X-Linked Classification Criteria (2021). Collection method: clinical testing. Allele origin: unknown.
Comment: NM_000053.3(ATP7B):c.503T>C(L168P) is a missense variant classified as a variant of uncertain significance in the context of Wilson disease. L168P has been observed in a case with relevant disease (PMID: 19381668). Functional assessments of this variant are available in the literature (PMID: 29761093). L168P has been observed in population frequency databases (gnomAD: AMR 0.01%). In summary, there is insufficient evidence to classify NM_000053.3(ATP7B):c.503T>C(L168P) as pathogenic or benign. Please note: this variant was assessed in the context of healthy population screening.

Fulgent Genetics
Classification: Uncertain significance for Wilson disease. Last evaluated: 2021-08-19. Review status: criteria provided, single submitter. Criteria: ACMG Guidelines, 2015. Collection method: clinical testing. Allele origin: unknown.

Mayo Clinic Laboratories, Mayo Clinic
Classification: Uncertain significance. Last evaluated: 2021-06-03. Review status: criteria provided, single submitter. Criteria: ACMG Guidelines, 2015. Collection method: clinical testing. Allele origin: germline.

Literature cited by the submitters: PubMed 29418065 (cited by 3 submitters); PubMed 34400371 (cited by 3 submitters); PubMed 30230192 (cited by Women's Health and Genetics/Laboratory Corporation of America, LabCorp and Color Diagnostics, LLC DBA Color Health); PubMed 35762218 (cited by 3 submitters); PubMed 29761093 (cited by 6 submitters); PubMed 40661833 (cited by Women's Health and Genetics/Laboratory Corporation of America, LabCorp and Color Diagnostics, LLC DBA Color Health); PubMed 19381668 (cited by 5 submitters); PubMed 37660282 (cited by Color Diagnostics, LLC DBA Color Health); PubMed 40620501 (cited by Color Diagnostics, LLC DBA Color Health).

NM_000053.4(ATP7B):c.503T>C (p.Leu168Pro)

Gene: ATP7B (ATPase copper transporting beta; minus strand). Cytogenetic location: 13q14.3.
Variant type: single nucleotide variant.
Coding change: c.503T>C on transcript NM_000053.4 (MANE Select); coding-DNA position 503, T replaced by C.
Protein change: p.Leu168Pro; replaces leucine 168 with proline.
Molecular consequence: missense variant.
Genome position (GRCh38, 1-based): chr13:51,974,717, A>G on the plus strand (T>C on the coding strand, the complement: ATP7B is on the minus strand). VCF-style: chr13-51974717-A-G. GRCh37 (hg19) VCF-style: chr13-52548853-A-G.
Other names: p.Leu168Pro; c.503T>C, p.Leu168Pro (NM_001005918.3, NM_001243182.2, NM_001330578.2 and 1 more transcripts); short protein forms L168P.
Identifiers: ClinVar variation 967323 (VCV000967323.25), dbSNP rs756237962, ClinGen allele CA6989549.